The following is an entry in ClinVar:

NM_005184.4(CALM3):c.273T>A (p.Arg91=)

Gene: CALM3 (calmodulin 3; plus strand). Cytogenetic location: 19q13.32.
Variant type: single nucleotide variant.
Coding change: c.273T>A on transcript NM_005184.4 (MANE Select); coding-DNA position 273, T replaced by A.
Protein change: p.Arg91=; no amino-acid change (arginine 91 retained).
Molecular consequence: synonymous variant.
Genome position (GRCh38, 1-based): chr19:46,608,576, T>A. VCF-style: chr19-46608576-T-A. GRCh37 (hg19) VCF-style: chr19-47111833-T-A.
Other names: c.165T>A, p.Arg55= (NM_001329921.1, NM_001329923.1, NM_001329924.2 and 2 more transcripts); c.273T>A, p.Arg91= (NM_001329922.1).
Identifiers: ClinVar variation 1097647 (VCV001097647.14), dbSNP rs559783307, ClinGen allele CA9529790.

ClinVar aggregate classification (germline): Likely benign. Review status: criteria provided, multiple submitters, no conflicts (2 of 4 stars). 4 submissions from 4 submitters: Likely benign (4). Last evaluated 2026-08-01.

Conditions:
Long QT syndrome 1 (LQT1). Identifiers: Orphanet 101016, Orphanet 768, MedGen C4551647, MONDO:0100316, OMIM 192500, MONDO:0008646.
Cardiovascular phenotype. Identifiers: MedGen CN230736.

Allele frequency attached by ClinVar (database versions not stated): gnomAD exomes below 0.00001 and 0.00001; TOPMed below 0.00001; ExAC 0.00001; gnomAD 0.00001; 1000 Genomes Project 30x 0.00016; 1000 Genomes Project 0.00020.
gnomAD v4.1: 14 of 1,613,316 alleles (0.00087%); highest among the groups gnomAD compares: Non-Finnish European, 0.0012%; no homozygotes.

Submissions (4):

CeGaT Center for Human Genetics Tuebingen
Classification: Likely benign. Last evaluated: 2026-08-01. Review status: criteria provided, single submitter. Criteria: CeGaT Center For Human Genetics Tuebingen Variant Classification Criteria Version 2. Collection method: clinical testing. Allele origin: germline. Affected: yes. Observed: 1 variant allele.
Comment: CALM3: BP4, BP7

Labcorp Genetics (formerly Invitae), Labcorp
Classification: Likely benign for Long QT syndrome 1. Last evaluated: 2025-02-11. Review status: criteria provided, single submitter. Criteria: Invitae Variant Classification Sherloc (09022015). Collection method: clinical testing. Allele origin: germline.

Ambry Genetics
Classification: Likely benign for Cardiovascular phenotype. Last evaluated: 2020-03-09. Review status: criteria provided, single submitter. Criteria: Ambry Variant Classification Scheme 2023. Collection method: clinical testing. Allele origin: germline.

Breakthrough Genomics
Classification: Likely benign. Review status: criteria provided, single submitter. Criteria: ACMG Guidelines, 2015. Collection method: not provided. Allele origin: germline. Inheritance: Autosomal dominant inheritance. Affected: yes.